The following is an entry in ClinVar:

ClinVar aggregate classification (germline): Uncertain significance. Review status: criteria provided, multiple submitters, no conflicts (2 of 4 stars). 5 submissions from 5 submitters: Uncertain significance (5). Last evaluated 2025-10-21.

Conditions:
Gray platelet syndrome (GPS). Also called: BLEEDING DISORDER, PLATELET-TYPE, 4. Identifiers: Orphanet 721, MedGen C0272302, MONDO:0007686, OMIM 139090.
Inborn genetic diseases. Identifiers: MedGen C0950123, MeSH D030342.

Allele frequency attached by ClinVar (database versions not stated): gnomAD 0.00009 and 0.00008; TOPMed 0.00009; ExAC 0.00009; gnomAD exomes 0.00007 and 0.00012.
gnomAD v4.1: 126 of 1,604,648 alleles (0.0079%); highest among the groups gnomAD compares: Admixed American, 0.047%; no homozygotes.

Submissions (5):

Mayo Clinic Laboratories, Mayo Clinic
Classification: Uncertain significance. Last evaluated: 2025-10-21. Review status: criteria provided, single submitter. Criteria: ACMG Guidelines, 2015. Collection method: clinical testing. Allele origin: germline. Observed: 1 variant allele.
Comment: PP3

Ambry Genetics
Classification: Uncertain significance for Inborn genetic diseases. Last evaluated: 2025-06-11. Review status: criteria provided, single submitter. Criteria: Ambry Variant Classification Scheme 2023. Collection method: clinical testing. Allele origin: germline.

Women's Health and Genetics/Laboratory Corporation of America, LabCorp
Classification: Uncertain significance. Last evaluated: 2024-12-17. Review status: criteria provided, single submitter. Criteria: LabCorp Variant Classification Summary - May 2015. Collection method: clinical testing. Allele origin: germline.
Comment: Variant summary: NBEAL2 c.6157C>T (p.Arg2053Cys) results in a non-conservative amino acid change in the encoded protein sequence. Four of five in-silico tools predict a damaging effect of the variant on protein function. The variant allele was found at a frequency of 0.00012 in 241028 control chromosomes. This frequency is not significantly higher than estimated for a pathogenic variant in NBEAL2 causing Gray Platelet Syndrome, allowing no conclusion about variant significance. To our knowledge, no occurrence of c.6157C>T in individuals affected with Gray Platelet Syndrome and no experimental evidence demonstrating its impact on protein function have been reported. ClinVar contains an entry for this variant (Variation ID: 899895). Based on the evidence outlined above, the variant was classified as uncertain significance.

Illumina Laboratory Services, Illumina
Classification: Uncertain significance for Gray platelet syndrome. Last evaluated: 2018-01-13. Review status: criteria provided, single submitter. Criteria: ICSL Variant Classification Criteria 13 December 2019. Collection method: clinical testing. Allele origin: germline.

Breakthrough Genomics
Classification: Uncertain significance. Review status: criteria provided, single submitter. Criteria: ACMG Guidelines, 2015. Collection method: not provided. Allele origin: germline. Inheritance: Autosomal recessive inheritance. Affected: yes.

NM_015175.3(NBEAL2):c.6157C>T (p.Arg2053Cys)

Gene: NBEAL2 (neurobeachin like 2; plus strand). Cytogenetic location: 3p21.31.
Variant type: single nucleotide variant.
Coding change: c.6157C>T on transcript NM_015175.3 (MANE Select); coding-DNA position 6157, C replaced by T.
Protein change: p.Arg2053Cys; replaces arginine 2053 with cysteine.
Molecular consequence: missense variant.
Genome position (GRCh38, 1-based): chr3:47,004,352, C>T. VCF-style: chr3-47004352-C-T. GRCh37 (hg19) VCF-style: chr3-47045842-C-T.
Other names: p.Arg2053Cys; c.6157C>T (NM_015175.1); c.6055C>T, p.Arg2019Cys (NM_001365116.2); short protein forms R2019C, R2053C.
Identifiers: ClinVar variation 899895 (VCV000899895.8), dbSNP rs768389780, ClinGen allele CA2361758.